The following is an entry in ClinVar:

NM_000051.4(ATM):c.7658C>G (p.Pro2553Arg)

Genes: ATM (ATM serine/threonine kinase; plus strand), C11orf65 (chromosome 11 open reading frame 65; minus strand). Cytogenetic location: 11q22.3.
Variant type: single nucleotide variant.
Coding change: c.7658C>G on transcript NM_000051.4 (MANE Select); coding-DNA position 7658, C replaced by G.
Protein change: p.Pro2553Arg; replaces proline 2553 with arginine.
Molecular consequence: missense variant. On other transcripts: intron variant (2).
Genome position (GRCh38, 1-based): chr11:108,331,907, C>G. VCF-style: chr11-108331907-C-G. GRCh37 (hg19) VCF-style: chr11-108202634-C-G.
Other names: c.7658C>G, p.Pro2553Arg (NM_001351834.2); c.641-22836G>C (NM_001330368.2); c.*38+3313G>C (NM_001351110.2); short protein forms P2553R.
Identifiers: ClinVar variation 489589 (VCV000489589.7), dbSNP rs864622368, ClinGen allele CA382560948.

ClinVar aggregate classification (germline): Uncertain significance. Review status: criteria provided, single submitter (1 of 4 stars). 2 submissions from 2 submitters: Uncertain significance (1). 1 of the submissions does not count toward it. Last evaluated 2023-12-05.

Conditions:
Hereditary cancer-predisposing syndrome. Also called: Neoplastic Syndromes, Hereditary; Hereditary Cancer Syndrome; Tumor predisposition; Hereditary neoplastic syndrome. Identifiers: Orphanet 140162, MedGen C0027672, MeSH D009386, MONDO:0015356.
Ataxia-telangiectasia syndrome (AT). Also called: LOUIS-BAR SYNDROME; Cerebello-oculocutaneous telangiectasia; Immunodeficiency with ataxia telangiectasia; Ataxia-telangiectasia, complementation group D; AT, COMPLEMENTATION GROUP C; Ataxia-telangiectasia, complementation group E. Identifiers: Orphanet 100, MedGen C0004135, MONDO:0008840, OMIM 208900.

Submissions (2):

Color Diagnostics, LLC DBA Color Health
Classification: Uncertain significance for Hereditary cancer-predisposing syndrome. Last evaluated: 2023-12-05. Review status: criteria provided, single submitter. Criteria: ACMG Guidelines, 2015. Collection method: clinical testing. Allele origin: germline.
Comment: This missense variant replaces proline with arginine at codon 2553 of the ATM protein. Computational prediction suggests that this variant may have deleterious impact on protein structure and function (internally defined REVEL score threshold >= 0.7, PMID: 27666373). To our knowledge, functional studies have not been reported for this variant. This variant has not been reported in individuals affected with ATM-related disorders in the literature. This variant has not been identified in the general population by the Genome Aggregation Database (gnomAD). The available evidence is insufficient to determine the role of this variant in disease conclusively. Therefore, this variant is classified as a Variant of Uncertain Significance.

Natera, Inc.
Classification: Uncertain significance for Ataxia-telangiectasia. Last evaluated: 2025-01-06. Review status: no assertion criteria provided. Collection method: clinical testing. Allele origin: germline. Not counted in ClinVar's aggregate classification.